The following is an entry in ClinVar:

NM_001330078.2(NRXN1):c.1586A>G (p.Asp529Gly)

Gene: NRXN1 (neurexin 1; minus strand). Cytogenetic location: 2p16.3.
Variant type: single nucleotide variant.
Coding change: c.1586A>G on transcript NM_001330078.2 (MANE Select); coding-DNA position 1586, A replaced by G.
Protein change: p.Asp529Gly; replaces aspartic acid 529 with glycine.
Molecular consequence: missense variant.
Genome position (GRCh38, 1-based): chr2:50,552,760, T>C on the plus strand (A>G on the coding strand, the complement: NRXN1 is on the minus strand). VCF-style: chr2-50552760-T-C. GRCh37 (hg19) VCF-style: chr2-50779898-T-C.
Other names: c.1706A>G, p.Asp569Gly (NM_001135659.3); c.1562A>G, p.Asp521Gly (NM_001330077.2, NM_001330082.2, NM_001330095.2); c.1547A>G, p.Asp516Gly (NM_001330083.2, NM_001330084.2); c.1586A>G, p.Asp529Gly (NM_001330085.2, NM_001330086.2, NM_004801.6); c.1502A>G, p.Asp501Gly (NM_001330087.2, NM_001330096.2); c.1532A>G, p.Asp511Gly (NM_001330088.2); c.1583A>G, p.Asp528Gly (NM_001330093.2); c.1574A>G, p.Asp525Gly (NM_001330094.2); short protein forms D525G, D569G, D511G, D521G, D528G, D529G, D516G, D501G.
Identifiers: ClinVar variation 1428982 (VCV001428982.6), dbSNP rs1450576920, ClinGen allele CA346773378.

ClinVar aggregate classification (germline): Uncertain significance (1 of 4 stars; one submission).

Conditions:
Pitt-Hopkins-like syndrome 2 (PTHSL2). Identifiers: Orphanet 221150, Orphanet 600663, MedGen C3280479, MONDO:0013690, OMIM 614325.

Allele frequency attached by ClinVar (database versions not stated): gnomAD exomes below 0.00001 and 0.00001; gnomAD 0.00001; TOPMed 0.00001.
gnomAD v4.1: 7 of 1,613,882 alleles (0.00043%); highest among the groups gnomAD compares: South Asian, 0.0011%; no homozygotes.

Submission:

Labcorp Genetics (formerly Invitae), Labcorp
Classification: Uncertain significance for Pitt-Hopkins-like syndrome 2. Last evaluated: 2025-08-29. Review status: criteria provided, single submitter. Criteria: Invitae Variant Classification Sherloc (09022015). Collection method: clinical testing. Allele origin: germline.
Comment: This sequence change replaces aspartic acid, which is acidic and polar, with glycine, which is neutral and non-polar, at codon 569 of the NRXN1 protein (p.Asp569Gly). This variant is present in population databases (no rsID available, gnomAD 0.0009%). This variant has not been reported in the literature in individuals affected with NRXN1-related conditions. ClinVar contains an entry for this variant (Variation ID: 1428982). An algorithm developed to predict the effect of missense changes on protein structure and function (PolyPhen-2) suggests that this variant is likely to be tolerated. In summary, the available evidence is currently insufficient to determine the role of this variant in disease. Therefore, it has been classified as a Variant of Uncertain Significance.